The following is an entry in ClinVar:

NM_001005373.4(LRSAM1):c.1892A>G (p.Asp631Gly)

Gene: LRSAM1 (leucine rich repeat and sterile alpha motif containing 1; plus strand). Cytogenetic location: 9q33.3.
Variant type: single nucleotide variant.
Coding change: c.1892A>G on transcript NM_001005373.4 (MANE Select); coding-DNA position 1892, A replaced by G.
Protein change: p.Asp631Gly; replaces aspartic acid 631 with glycine.
Molecular consequence: missense variant. On other transcripts: non-coding transcript variant (2).
Genome position (GRCh38, 1-based): chr9:127,497,314, A>G. VCF-style: chr9-127497314-A-G. GRCh37 (hg19) VCF-style: chr9-130259593-A-G.
Other names: c.1892A>G, p.Asp631Gly (NM_001005374.4, NM_001384142.1, NM_138361.5); c.1811A>G, p.Asp604Gly (NM_001190723.3); c.1793A>G, p.Asp598Gly (NM_001384143.1); c.1103A>G, p.Asp368Gly (NM_001384144.1); short protein forms D631G, D604G, D368G, D598G.
Identifiers: ClinVar variation 575562 (VCV000575562.10), dbSNP rs1564283787, ClinGen allele CA374936615.

ClinVar aggregate classification (germline): Uncertain significance (1 of 4 stars; one submission).

Conditions:
Charcot-Marie-Tooth disease axonal type 2P. Also called: Charcot-Marie-Tooth Neuropathy Type 2G; CHARCOT-MARIE-TOOTH DISEASE, AXONAL, TYPE 2G; CMT 2G; CHARCOT-MARIE-TOOTH NEUROPATHY, TYPE 2P. Identifiers: Orphanet 300319, Orphanet 99941, MedGen C3280797, MONDO:0013753, OMIM 614436.

Submission:

Labcorp Genetics (formerly Invitae), Labcorp
Classification: Uncertain significance for Charcot-Marie-Tooth disease axonal type 2P. Last evaluated: 2019-12-29. Review status: criteria provided, single submitter. Criteria: Invitae Variant Classification Sherloc (09022015). Collection method: clinical testing. Allele origin: germline.
Comment: In summary, the available evidence is currently insufficient to determine the role of this variant in disease. Therefore, it has been classified as a Variant of Uncertain Significance. Algorithms developed to predict the effect of missense changes on protein structure and function output the following: SIFT: "Tolerated"; PolyPhen-2: "Benign"; Align-GVGD: "Class C0". The glycine amino acid residue is found in multiple mammalian species, suggesting that this missense change does not adversely affect protein function. These predictions have not been confirmed by published functional studies and their clinical significance is uncertain. This variant has not been reported in the literature in individuals with LRSAM1-related disease. This variant is not present in population databases (ExAC no frequency). This sequence change replaces aspartic acid with glycine at codon 631 of the LRSAM1 protein (p.Asp631Gly). The aspartic acid residue is moderately conserved and there is a moderate physicochemical difference between aspartic acid and glycine.